The following is an entry in ClinVar:

NM_003978.5(PSTPIP1):c.1019G>A (p.Arg340Gln)

Gene: PSTPIP1 (proline-serine-threonine phosphatase interacting protein 1; plus strand). Cytogenetic location: 15q24.3.
Variant type: single nucleotide variant.
Coding change: c.1019G>A on transcript NM_003978.5 (MANE Select); coding-DNA position 1019, G replaced by A.
Protein change: p.Arg340Gln; replaces arginine 340 with glutamine.
Molecular consequence: missense variant. On other transcripts: non-coding transcript variant (1).
Genome position (GRCh38, 1-based): chr15:77,035,835, G>A. VCF-style: chr15-77035835-G-A. GRCh37 (hg19) VCF-style: chr15-77328176-G-A.
Other names: c.962G>A, p.Arg321Gln (NM_001321135.2); c.992G>A, p.Arg331Gln (NM_001321136.2); c.1214G>A, p.Arg405Gln (NM_001321137.1); short protein forms R340Q, R405Q, R331Q, R321Q.
Identifiers: ClinVar variation 836854 (VCV000836854.9), dbSNP rs768664787, ClinGen allele CA7676139.

ClinVar aggregate classification (germline): Uncertain significance. Review status: criteria provided, multiple submitters, no conflicts (2 of 4 stars). 3 submissions from 3 submitters: Uncertain significance (3). Last evaluated 2026-09-01.

Conditions:
Pyogenic arthritis-pyoderma gangrenosum-acne syndrome (PAPA). Also called: PAPA SYNDROME; FAMILIAL RECURRENT ARTHRITIS. Identifiers: Orphanet 69126, MedGen C1858361, MONDO:0011462, OMIM 604416.
Inborn genetic diseases. Identifiers: MedGen C0950123, MeSH D030342.

Allele frequency attached by ClinVar (database versions not stated): ExAC 0.00004; TOPMed 0.00004.
gnomAD v4.1: 65 of 1,610,032 alleles (0.004%); highest among the groups gnomAD compares: East Asian, 0.013%; no homozygotes.

Submissions (3):

Ambry Genetics
Classification: Uncertain significance for Inborn genetic diseases. Last evaluated: 2026-09-01. Review status: criteria provided, single submitter. Criteria: Ambry Variant Classification Scheme 2023. Collection method: clinical testing. Allele origin: germline.

Labcorp Genetics (formerly Invitae), Labcorp
Classification: Uncertain significance for Pyogenic arthritis-pyoderma gangrenosum-acne syndrome. Last evaluated: 2025-12-02. Review status: criteria provided, single submitter. Criteria: Invitae Variant Classification Sherloc (09022015). Collection method: clinical testing. Allele origin: germline.
Comment: This sequence change replaces arginine, which is basic and polar, with glutamine, which is neutral and polar, at codon 340 of the PSTPIP1 protein (p.Arg340Gln). This variant is present in population databases (rs768664787, gnomAD 0.006%). This variant has not been reported in the literature in individuals affected with PSTPIP1-related conditions. ClinVar contains an entry for this variant (Variation ID: 836854). Invitae Evidence Modeling of protein sequence and biophysical properties (such as structural, functional, and spatial information, amino acid conservation, physicochemical variation, residue mobility, and thermodynamic stability) indicates that this missense variant is not expected to disrupt PSTPIP1 protein function with a negative predictive value of 80%. Algorithms developed to predict the effect of sequence changes on RNA splicing suggest that this variant may disrupt the consensus splice site. In summary, the available evidence is currently insufficient to determine the role of this variant in disease. Therefore, it has been classified as a Variant of Uncertain Significance.

Women's Health and Genetics/Laboratory Corporation of America, LabCorp
Classification: Uncertain significance. Last evaluated: 2025-03-10. Review status: criteria provided, single submitter. Criteria: LabCorp Variant Classification Summary - May 2015. Collection method: clinical testing. Allele origin: germline.
Comment: Variant summary: PSTPIP1 c.1019G>A (p.Arg340Gln) results in a conservative amino acid change in the encoded protein sequence. Five of five in-silico tools predict a benign effect of the variant on protein function. The variant allele was found at a frequency of 2.4e-05 in 245370 control chromosomes. The available data on variant occurrences in the general population are insufficient to allow any conclusion about variant significance. To our knowledge, no occurrence of c.1019G>A in individuals affected with Pyogenic arthritis-pyoderma gangrenosum-acne syndrome and no experimental evidence demonstrating its impact on protein function have been reported. ClinVar contains an entry for this variant (Variation ID: 836854). Based on the evidence outlined above, the variant was classified as uncertain significance.